The following is an entry in ClinVar:

NM_005802.5(TOPORS):c.2369A>G (p.Glu790Gly)

Gene: TOPORS (TOP1 binding arginine/serine rich protein, E3 ubiquitin ligase; minus strand). Cytogenetic location: 9p21.1.
Variant type: single nucleotide variant.
Coding change: c.2369A>G on transcript NM_005802.5 (MANE Select); coding-DNA position 2369, A replaced by G.
Protein change: p.Glu790Gly; replaces glutamic acid 790 with glycine.
Molecular consequence: missense variant.
Genome position (GRCh38, 1-based): chr9:32,542,156, T>C on the plus strand (A>G on the coding strand, the complement: TOPORS is on the minus strand). VCF-style: chr9-32542156-T-C. GRCh37 (hg19) VCF-style: chr9-32542154-T-C.
Other names: c.2174A>G, p.Glu725Gly (NM_001195622.2); short protein forms E725G, E790G.
Identifiers: ClinVar variation 2007292 (VCV002007292.6), dbSNP rs752030562, ClinGen allele CA5020378.

ClinVar aggregate classification (germline): Conflicting classifications of pathogenicity. Review status: criteria provided, conflicting classifications (1 of 4 stars). 3 submissions from 3 submitters: Uncertain significance (1); Benign (1); Likely benign (1). Last evaluated 2025-08-21.

Conditions:
Retinal dystrophy. Also called: Inherited retinal dystrophy. Identifiers: Orphanet 71862, MedGen C0854723, MeSH D058499, MONDO:0019118, HP:0000556.

Allele frequency attached by ClinVar (database versions not stated): ExAC 0.00001; TOPMed 0.00001; gnomAD exomes 0.00002.
gnomAD v4.1: 24 of 1,614,180 alleles (0.0015%); highest among the groups gnomAD compares: East Asian, 0.033%; no homozygotes.

Submissions (3):

Labcorp Genetics (formerly Invitae), Labcorp
Classification: Uncertain significance. Last evaluated: 2025-08-21. Review status: criteria provided, single submitter. Criteria: Invitae Variant Classification Sherloc (09022015). Collection method: clinical testing. Allele origin: germline.
Comment: This sequence change replaces glutamic acid, which is acidic and polar, with glycine, which is neutral and non-polar, at codon 790 of the TOPORS protein (p.Glu790Gly). This variant is present in population databases (rs752030562, gnomAD 0.03%). This variant has not been reported in the literature in individuals affected with TOPORS-related conditions. ClinVar contains an entry for this variant (Variation ID: 2007292). Experimental studies and prediction algorithms are not available or were not evaluated, and the functional significance of this variant is currently unknown. In summary, the available evidence is currently insufficient to determine the role of this variant in disease. Therefore, it has been classified as a Variant of Uncertain Significance.

Blueprint Genetics
Classification: Likely benign. Last evaluated: 2024-08-26. Review status: criteria provided, single submitter. Criteria: ACMG Guidelines, 2015. Collection method: clinical testing. Allele origin: germline.

Dept Of Ophthalmology, Nagoya University
Classification: Benign for Retinal dystrophy. Last evaluated: 2023-10-01. Review status: criteria provided, single submitter. Criteria: Submitter's publication. Collection method: research. Allele origin: germline. Affected: yes.